The following is an entry in ClinVar:

NM_033641.4(COL4A6):c.1676G>A (p.Arg559Gln)

Gene: COL4A6 (collagen type IV alpha 6 chain; minus strand). Cytogenetic location: Xq22.3.
Variant type: single nucleotide variant.
Coding change: c.1676G>A on transcript NM_033641.4 (MANE Select); coding-DNA position 1676, G replaced by A.
Protein change: p.Arg559Gln; replaces arginine 559 with glutamine.
Molecular consequence: missense variant.
Genome position (GRCh38, 1-based): chrX:108,187,939, C>T on the plus strand (G>A on the coding strand, the complement: COL4A6 is on the minus strand). VCF-style: chrX-108187939-C-T. GRCh37 (hg19) VCF-style: chrX-107431169-C-T.
Other names: c.1676G>A, p.Arg559Gln (NM_001287758.2, NM_001287759.2, NM_001287760.2); c.1679G>A, p.Arg560Gln (NM_001847.4); short protein forms R559Q, R560Q.
Identifiers: ClinVar variation 515796 (VCV000515796.18), dbSNP rs142508831, ClinGen allele CA10487789.

ClinVar aggregate classification (germline): Benign/Likely benign. Review status: criteria provided, multiple submitters, no conflicts (2 of 4 stars). 5 submissions from 5 submitters: Benign (2); Likely benign (2). 1 of the submissions does not count toward it. Last evaluated 2025-11-24.

Conditions:
COL4A6-related disorder. Also called: COL4A6-related condition.
Hearing loss, X-linked 6. Also called: Deafness, X-linked 6. Identifiers: Orphanet 90625, MedGen C3806737, MONDO:0010484, OMIM 300914.

Allele frequency attached by ClinVar (database versions not stated): 1000 Genomes Project 30x 0.00042; 1000 Genomes Project 0.00053; ESP Exome Variant Server 0.00066; TOPMed 0.00072; gnomAD 0.00074 and 0.00077; gnomAD exomes 0.00080; ExAC 0.00081.
gnomAD v4.1: 946 of 1,207,819 alleles (0.078%); highest among the groups gnomAD compares: Admixed American, 0.11%; no homozygotes.

Submissions (5):

Labcorp Genetics (formerly Invitae), Labcorp
Classification: Likely benign. Last evaluated: 2025-11-24. Review status: criteria provided, single submitter. Criteria: Invitae Variant Classification Sherloc (09022015). Collection method: clinical testing. Allele origin: germline.

Blueprint Genetics
Classification: Likely benign. Last evaluated: 2024-10-11. Review status: criteria provided, single submitter. Criteria: ACMG Guidelines, 2015. Collection method: clinical testing. Allele origin: germline.

Genome-Nilou Lab
Classification: Benign for Hearing loss, X-linked 6. Last evaluated: 2022-03-15. Review status: criteria provided, single submitter. Criteria: ACMG Guidelines, 2015. Collection method: clinical testing. Allele origin: germline. Affected: no.

GeneDx
Classification: Benign. Last evaluated: 2020-04-30. Review status: criteria provided, single submitter. Criteria: GeneDx Variant Classification Process June 2021. Collection method: clinical testing. Allele origin: germline. Affected: yes.

PreventionGenetics, part of Exact Sciences
Classification: Likely benign for COL4A6-related condition. Last evaluated: 2022-11-02. Review status: no assertion criteria provided. Collection method: clinical testing. Allele origin: germline. Not counted in ClinVar's aggregate classification.
Comment: This variant is classified as likely benign based on ACMG/AMP sequence variant interpretation guidelines (Richards et al. 2015 PMID: 25741868, with internal and published modifications).